The following is an entry in ClinVar:

NM_015627.3(LDLRAP1):c.475C>T (p.Leu159Phe)

Gene: LDLRAP1 (low density lipoprotein receptor adaptor protein 1; plus strand). Cytogenetic location: 1p36.11.
Variant type: single nucleotide variant.
Coding change: c.475C>T on transcript NM_015627.3 (MANE Select); coding-DNA position 475, C replaced by T.
Protein change: p.Leu159Phe; replaces leucine 159 with phenylalanine.
Molecular consequence: missense variant.
Genome position (GRCh38, 1-based): chr1:25,562,659, C>T. VCF-style: chr1-25562659-C-T. GRCh37 (hg19) VCF-style: chr1-25889150-C-T.
Other names: short protein forms L159F.
Identifiers: ClinVar variation 3226700 (VCV003226700.1), dbSNP rs1024390429, ClinGen allele CA19644166.

ClinVar aggregate classification (germline): Uncertain significance (1 of 4 stars; one submission).

Conditions:
Cardiovascular phenotype. Identifiers: MedGen CN230736.

Allele frequency attached by ClinVar (database versions not stated): gnomAD exomes below 0.00001; gnomAD 0.00003; TOPMed 0.00004.
gnomAD v4.1: 7 of 1,614,098 alleles (0.00043%); highest among the groups gnomAD compares: African/African-American, 0.0067%; no homozygotes.

Submission:

Ambry Genetics
Classification: Uncertain significance for Cardiovascular phenotype. Last evaluated: 2023-09-22. Review status: criteria provided, single submitter. Criteria: Ambry Variant Classification Scheme 2023. Collection method: clinical testing. Allele origin: germline.
Comment: The p.L159F variant (also known as c.475C>T), located in coding exon 5 of the LDLRAP1 gene, results from a C to T substitution at nucleotide position 475. The leucine at codon 159 is replaced by phenylalanine, an amino acid with highly similar properties. This amino acid position is conserved. In addition, the in silico prediction for this alteration is inconclusive. Since supporting evidence is limited at this time, the clinical significance of this alteration remains unclear.